The following is an entry in ClinVar:

ClinVar aggregate classification (germline): Pathogenic (1 of 4 stars; one submission).

Allele frequency attached by ClinVar (database versions not stated): gnomAD exomes below 0.00001.
gnomAD v4.1: 1 of 1,600,586 alleles (0.000062%); highest among the groups gnomAD compares: Non-Finnish European, 0.000085%; no homozygotes.

Submission:

Labcorp Genetics (formerly Invitae), Labcorp
Classification: Pathogenic. Last evaluated: 2024-01-29. Review status: criteria provided, single submitter. Criteria: Invitae Variant Classification Sherloc (09022015). Collection method: clinical testing. Allele origin: germline.
Comment: This sequence change creates a premature translational stop signal (p.Gln2559*) in the PCNT gene. It is expected to result in an absent or disrupted protein product. Loss-of-function variants in PCNT are known to be pathogenic (PMID: 18174396, 22821869). This variant is not present in population databases (gnomAD no frequency). This variant has not been reported in the literature in individuals affected with PCNT-related conditions. For these reasons, this variant has been classified as Pathogenic.

Literature cited by the submitters: PubMed 18174396; PubMed 22821869.

NM_006031.6(PCNT):c.7675C>T (p.Gln2559Ter)

Gene: PCNT (pericentrin; plus strand). Cytogenetic location: 21q22.3.
Variant type: single nucleotide variant.
Coding change: c.7675C>T on transcript NM_006031.6 (MANE Select); coding-DNA position 7675, C replaced by T.
Protein change: p.Gln2559Ter; replaces glutamine 2559 with a stop codon.
Molecular consequence: nonsense.
Genome position (GRCh38, 1-based): chr21:46,428,575, C>T. VCF-style: chr21-46428575-C-T. GRCh37 (hg19) VCF-style: chr21-47848489-C-T.
Other names: c.7321C>T, p.Gln2441Ter (NM_001315529.2); short protein forms Q2441*, Q2559*.
Identifiers: ClinVar variation 2799819 (VCV002799819.3), dbSNP rs2518971989, ClinGen allele CA410570737.